The following is an entry in ClinVar:

ClinVar aggregate classification (germline): Uncertain significance. Review status: criteria provided, multiple submitters, no conflicts (2 of 4 stars). 2 submissions from 2 submitters: Uncertain significance (2). Last evaluated 2024-03-25.

Conditions:
Inborn genetic diseases. Identifiers: MedGen C0950123, MeSH D030342.

Allele frequency attached by ClinVar (database versions not stated): gnomAD exomes 0.00005; ExAC 0.00009; gnomAD 0.00028 and 0.00031; ESP Exome Variant Server 0.00031.
gnomAD v4.1: 140 of 1,594,638 alleles (0.0088%); highest among the groups gnomAD compares: African/African-American, 0.071%; 1 homozygote.

Submissions (2):

Ambry Genetics
Classification: Uncertain significance for Inborn genetic diseases. Last evaluated: 2024-03-25. Review status: criteria provided, single submitter. Criteria: Ambry Variant Classification Scheme 2023. Collection method: clinical testing. Allele origin: germline.

Labcorp Genetics (formerly Invitae), Labcorp
Classification: Uncertain significance. Last evaluated: 2022-08-09. Review status: criteria provided, single submitter. Criteria: Invitae Variant Classification Sherloc (09022015). Collection method: clinical testing. Allele origin: germline.
Comment: This sequence change replaces tyrosine, which is neutral and polar, with serine, which is neutral and polar, at codon 228 of the RNF168 protein (p.Tyr228Ser). This variant is present in population databases (rs145416995, gnomAD 0.1%). This variant has not been reported in the literature in individuals affected with RNF168-related conditions. ClinVar contains an entry for this variant (Variation ID: 1404215). Algorithms developed to predict the effect of missense changes on protein structure and function are either unavailable or do not agree on the potential impact of this missense change (SIFT: "Deleterious"; PolyPhen-2: "Possibly Damaging"; Align-GVGD: "Class C0"). In summary, the available evidence is currently insufficient to determine the role of this variant in disease. Therefore, it has been classified as a Variant of Uncertain Significance.

NM_152617.4(RNF168):c.683A>C (p.Tyr228Ser)

Gene: RNF168 (ring finger protein 168; minus strand). Cytogenetic location: 3q29.
Variant type: single nucleotide variant.
Coding change: c.683A>C on transcript NM_152617.4 (MANE Select); coding-DNA position 683, A replaced by C.
Protein change: p.Tyr228Ser; replaces tyrosine 228 with serine.
Molecular consequence: missense variant.
Genome position (GRCh38, 1-based): chr3:196,475,310, T>G on the plus strand (A>C on the coding strand, the complement: RNF168 is on the minus strand). VCF-style: chr3-196475310-T-G. GRCh37 (hg19) VCF-style: chr3-196202181-T-G.
Other names: c.683A>C (NM_152617.3); short protein forms Y228S.
Identifiers: ClinVar variation 1404215 (VCV001404215.4), dbSNP rs145416995, ClinGen allele CA2780835.